The following is an entry in ClinVar:

ClinVar aggregate classification (germline): Conflicting classifications of pathogenicity. Review status: criteria provided, conflicting classifications (1 of 4 stars). 5 submissions from 5 submitters: Uncertain significance (2); Likely benign (3). Last evaluated 2025-12-09.

Conditions:
Cortical dysplasia, complex, with other brain malformations 10. Identifiers: MedGen C5231458, MONDO:0032866, OMIM 618677.
Intellectual developmental disorder, autosomal recessive 74 (MRT74). Also called: Sotos syndrome 3. Identifiers: MedGen C4310684, MONDO:0014951, OMIM 617169.
APC2-related disorder. Also called: APC2-Related Disorders; APC2-related condition.
Inborn genetic diseases. Identifiers: MedGen C0950123, MeSH D030342.

Allele frequency attached by ClinVar (database versions not stated): gnomAD exomes 0.00025; ExAC 0.00043; ESP Exome Variant Server 0.00062; gnomAD 0.00084 and 0.00093; TOPMed 0.00111; 1000 Genomes Project 0.00120; 1000 Genomes Project 30x 0.00141.
gnomAD v4.1: 294 of 1,604,188 alleles (0.018%); highest among the groups gnomAD compares: African/African-American, 0.36%; no homozygotes.

Submissions (5):

PreventionGenetics, part of Exact Sciences
Classification: Likely benign for APC2-related condition. Last evaluated: 2025-12-09. Review status: criteria provided, single submitter. Criteria: ACMG Guidelines, 2015. Collection method: clinical testing. Allele origin: germline.
Comment: This variant is classified as likely benign based on ACMG/AMP sequence variant interpretation guidelines (Richards et al. 2015 PMID: 25741868, with internal and published modifications).

Labcorp Genetics (formerly Invitae), Labcorp
Classification: Likely benign. Last evaluated: 2025-10-01. Review status: criteria provided, single submitter. Criteria: Invitae Variant Classification Sherloc (09022015). Collection method: clinical testing. Allele origin: germline.

GeneDx
Classification: Uncertain significance. Last evaluated: 2023-11-13. Review status: criteria provided, single submitter. Criteria: GeneDx Variant Classification Process June 2021. Collection method: clinical testing. Allele origin: germline. Affected: yes.
Comment: In silico analysis supports that this missense variant does not alter protein structure/function; Has not been previously published as pathogenic or benign to our knowledge

Ambry Genetics
Classification: Likely benign for Inborn genetic diseases. Last evaluated: 2022-08-30. Review status: criteria provided, single submitter. Criteria: Ambry Variant Classification Scheme 2023. Collection method: clinical testing. Allele origin: germline.

New York Genome Center
Classification: Uncertain significance for Cortical dysplasia, complex, with other brain malformations 10; Intellectual developmental disorder, autosomal recessive 74. Last evaluated: 2019-12-24. Review status: criteria provided, single submitter. Criteria: NYGC Assertion Criteria 2020. Collection method: clinical testing. Allele origin: germline. Observed: 1 heterozygote. Study: CSER-NYCKidSeq.
Comment: The c.3656C>T (p.Ala1219Val) variant identified in the APC2 gene substitutes a well conserved Alanine for Valine at amino acid 1219/2304 (coding exon 15/15). This variant is found with low frequency in gnomAD (66 heterozygotes, 0 homozygotes; allele frequency: 2.60e-4) suggesting it is not a common benign variant in the populations represented in this database. In silico algorithms predict this variant to be Neutral (Provean; score: -0.94) and Tolerated (SIFT; score: 0.280) to the function of the canonical transcript. This variant is absent from ClinVar and to our current knowledge has not been identified in affected individuals in the literature. Given the lack of compelling evidence for its pathogenicity, the c.3656C>T (p.Ala1219Val) variant is reported as a Variant of Uncertain Significance

NM_005883.3(APC2):c.3656C>T (p.Ala1219Val)

Gene: APC2 (APC regulator of Wnt signaling pathway 2; plus strand). Cytogenetic location: 19p13.3.
Variant type: single nucleotide variant.
Coding change: c.3656C>T on transcript NM_005883.3 (MANE Select); coding-DNA position 3656, C replaced by T.
Protein change: p.Ala1219Val; replaces alanine 1219 with valine.
Molecular consequence: missense variant.
Genome position (GRCh38, 1-based): chr19:1,466,957, C>T. VCF-style: chr19-1466957-C-T. GRCh37 (hg19) VCF-style: chr19-1466956-C-T.
Other names: c.3653C>T, p.Ala1218Val (NM_001351273.1); short protein forms A1218V, A1219V.
Identifiers: ClinVar variation 741140 (VCV000741140.13), dbSNP rs137877386, ClinGen allele CA9045715.